The following is an entry in ClinVar:

NM_031935.3(HMCN1):c.5575A>G (p.Thr1859Ala)

Gene: HMCN1 (hemicentin 1; plus strand). Cytogenetic location: 1q31.1.
Variant type: single nucleotide variant.
Coding change: c.5575A>G on transcript NM_031935.3 (MANE Select); coding-DNA position 5575, A replaced by G.
Protein change: p.Thr1859Ala; replaces threonine 1859 with alanine.
Molecular consequence: missense variant.
Genome position (GRCh38, 1-based): chr1:186,019,645, A>G. VCF-style: chr1-186019645-A-G. GRCh37 (hg19) VCF-style: chr1-185988777-A-G.
Other names: short protein forms T1859A.
Identifiers: ClinVar variation 3669681 (VCV003669681.2).
Genomic context (GRCh38, chr1:186,019,645, plus strand): 5'-GTAAAATACAAGCCTGTCGCCTTGCAGTGCATAGCCAATGGGATTCCAAATCCTTCCATT[A>G]CATGGTTAAAAGATGACCAGCCTGTGAACACTGCCCAAGGAAACCTTAAAGTAAGTGTAA-3'
Protein context (NP_114141.2, residues 1849-1869): IANGIPNPSI[Thr1859Ala]WLKDDQPVNT

ClinVar aggregate classification (germline): Uncertain significance (1 of 4 stars; one submission).

gnomAD v4.1: 1 of 1,612,304 alleles (0.000062%); highest among the groups gnomAD compares: Non-Finnish European, 0.000085%; no homozygotes.

Submission:

Labcorp Genetics (formerly Invitae), Labcorp
Classification: Uncertain significance. Last evaluated: 2024-11-16. Review status: criteria provided, single submitter. Criteria: Invitae Variant Classification Sherloc (09022015). Collection method: clinical testing. Allele origin: germline.
Comment: This sequence change replaces threonine, which is neutral and polar, with alanine, which is neutral and non-polar, at codon 1859 of the HMCN1 protein (p.Thr1859Ala). This variant is not present in population databases (gnomAD no frequency). This variant has not been reported in the literature in individuals affected with HMCN1-related conditions. An algorithm developed to predict the effect of missense changes on protein structure and function (PolyPhen-2) suggests that this variant is likely to be disruptive. In summary, the available evidence is currently insufficient to determine the role of this variant in disease. Therefore, it has been classified as a Variant of Uncertain Significance.